The following is an entry in ClinVar:

ClinVar aggregate classification (germline): Likely benign. Review status: criteria provided, multiple submitters, no conflicts (2 of 4 stars). 2 submissions from 2 submitters: Likely benign (2). Last evaluated 2024-10-20.

Conditions:
Progressive sclerosing poliodystrophy (MTDPS4A). Also called: ALPERS PROGRESSIVE INFANTILE POLIODYSTROPHY; NEURONAL DEGENERATION OF CHILDHOOD WITH LIVER DISEASE, PROGRESSIVE; Alpers-Huttenlocher Syndrome (AHS); Alpers Syndrome; Mitochondrial DNA Depletion Syndrome 4A; ALPERS DIFFUSE DEGENERATION OF CEREBRAL GRAY MATTER WITH HEPATIC CIRRHOSIS. Identifiers: Orphanet 726, MedGen C0205710, MONDO:0008758, OMIM 203700.

Allele frequency attached by ClinVar (database versions not stated): gnomAD 0.00001; TOPMed 0.00001.
gnomAD v4.1: 2 of 1,613,848 alleles (0.00012%); highest among the groups gnomAD compares: Non-Finnish European, 0.00017%; no homozygotes.

Submissions (2):

Labcorp Genetics (formerly Invitae), Labcorp
Classification: Likely benign for Progressive sclerosing poliodystrophy. Last evaluated: 2024-10-20. Review status: criteria provided, single submitter. Criteria: Invitae Variant Classification Sherloc (09022015). Collection method: clinical testing. Allele origin: germline.

GeneDx
Classification: Likely benign. Last evaluated: 2016-03-10. Review status: criteria provided, single submitter. Criteria: GeneDx Variant Classification (06012015). Collection method: clinical testing. Allele origin: germline. Affected: yes.
Comment: This variant is considered likely benign or benign based on one or more of the following criteria: it is a conservative change, it occurs at a poorly conserved position in the protein, it is predicted to be benign by multiple in silico algorithms, and/or has population frequency not consistent with disease.

NM_002693.3(POLG):c.2070+14C>G

Gene: POLG (DNA polymerase gamma, catalytic subunit; minus strand). Cytogenetic location: 15q26.1.
Variant type: single nucleotide variant.
Coding change: c.2070+14C>G on transcript NM_002693.3 (MANE Select); 14 bases into the intron after coding-DNA position 2070, C replaced by G.
Molecular consequence: intron variant.
Genome position (GRCh38, 1-based): chr15:89,324,093, G>C on the plus strand (C>G on the coding strand, the complement: POLG is on the minus strand). VCF-style: chr15-89324093-G-C. GRCh37 (hg19) VCF-style: chr15-89867324-G-C.
Other names: c.2070+14C>G (NM_001126131.2).
Identifiers: ClinVar variation 378412 (VCV000378412.6), dbSNP rs1057520351, ClinGen allele CA16607906.